The following is an entry in ClinVar:

ClinVar aggregate classification (germline): Likely benign. Review status: criteria provided, single submitter (1 of 4 stars). 2 submissions from 2 submitters: Likely benign (1). 1 of the submissions does not count toward it. Last evaluated 2024-02-24.

Conditions:
D-2-hydroxyglutaric aciduria 2 (D2HGA2). Identifiers: Orphanet 79315, MedGen C3150909, MONDO:0013345, OMIM 613657.
IDH2-related disorder. Also called: IDH2-related condition.

Allele frequency attached by ClinVar (database versions not stated): TOPMed 0.00004; gnomAD 0.00005; gnomAD exomes 0.00007.
gnomAD v4.1: 108 of 1,614,108 alleles (0.0067%); highest among the groups gnomAD compares: Non-Finnish European, 0.0084%; no homozygotes.

Submissions (2):

Labcorp Genetics (formerly Invitae), Labcorp
Classification: Likely benign for D-2-hydroxyglutaric aciduria 2. Last evaluated: 2024-02-24. Review status: criteria provided, single submitter. Criteria: Invitae Variant Classification Sherloc (09022015). Collection method: clinical testing. Allele origin: germline.

PreventionGenetics, part of Exact Sciences
Classification: Likely benign for IDH2-related condition. Last evaluated: 2019-11-12. Review status: no assertion criteria provided. Collection method: clinical testing. Allele origin: germline. Not counted in ClinVar's aggregate classification.
Comment: This variant is classified as likely benign based on ACMG/AMP sequence variant interpretation guidelines (Richards et al. 2015 PMID: 25741868, with internal and published modifications).

NM_002168.4(IDH2):c.519C>T (p.His173=)

Gene: IDH2 (isocitrate dehydrogenase (NADP(+)) 2; minus strand). Cytogenetic location: 15q26.1.
Variant type: single nucleotide variant.
Coding change: c.519C>T on transcript NM_002168.4 (MANE Select); coding-DNA position 519, C replaced by T.
Protein change: p.His173=; no amino-acid change (histidine 173 retained).
Molecular consequence: synonymous variant.
Genome position (GRCh38, 1-based): chr15:90,088,602, G>A on the plus strand (C>T on the coding strand, the complement: IDH2 is on the minus strand). VCF-style: chr15-90088602-G-A. GRCh37 (hg19) VCF-style: chr15-90631834-G-A.
Other names: c.363C>T, p.His121= (NM_001289910.1); c.129C>T, p.His43= (NM_001290114.2).
Identifiers: ClinVar variation 2200344 (VCV002200344.6), dbSNP rs1050572551, ClinGen allele CA274623819.